The following is an entry in ClinVar:

NM_004006.3(DMD):c.3996T>G (p.Asp1332Glu)

Gene: DMD (dystrophin; minus strand). Cytogenetic location: Xp21.1.
Variant type: single nucleotide variant.
Coding change: c.3996T>G on transcript NM_004006.3 (MANE Select); coding-DNA position 3996, T replaced by G.
Protein change: p.Asp1332Glu; replaces aspartic acid 1332 with glutamic acid.
Molecular consequence: missense variant.
Genome position (GRCh38, 1-based): chrX:32,438,316, A>C on the plus strand (T>G on the coding strand, the complement: DMD is on the minus strand). VCF-style: chrX-32438316-A-C. GRCh37 (hg19) VCF-style: chrX-32456433-A-C.
Other names: c.3972T>G, p.Asp1324Glu (NM_000109.4); c.3984T>G, p.Asp1328Glu (NM_004009.3); c.3627T>G, p.Asp1209Glu (NM_004010.3); short protein forms D1209E, D1324E, D1328E, D1332E.
Identifiers: ClinVar variation 4705509 (VCV004705509.1).
Genomic context (GRCh38, chrX:32,438,316, plus strand): 5'-CCTCCAACGAGAATTAAATGTCTCAAGTTCCTCATTGATTAGCTCATCCATGACTCCGCC[A>C]TCTGTTAGGGTCTGTGCCAATATGCGAATCTGATTTGGGTTATCCTCTGAATGTCGCATC-3'
Protein context (NP_003997.2, residues 1322-1342): QIRILAQTLT[Asp1332Glu]GGVMDELINE

ClinVar aggregate classification (germline): Uncertain significance (1 of 4 stars; one submission).

Conditions:
Duchenne muscular dystrophy (DMD). Also called: MUSCULAR DYSTROPHY, PSEUDOHYPERTROPHIC PROGRESSIVE, DUCHENNE TYPE; Duchenne Muscular Dystrophy (DMD). Identifiers: Orphanet 98896, MedGen C0013264, MONDO:0010679, OMIM 310200.

gnomAD v4.1: 8 of 1,211,339 alleles (0.00066%); highest among the groups gnomAD compares: Non-Finnish European, 0.00089%; no homozygotes.

Submission:

Labcorp Genetics (formerly Invitae), Labcorp
Classification: Uncertain significance for Duchenne muscular dystrophy. Last evaluated: 2025-06-09. Review status: criteria provided, single submitter. Criteria: Invitae Variant Classification Sherloc (09022015). Collection method: clinical testing. Allele origin: germline.
Comment: This sequence change replaces aspartic acid, which is acidic and polar, with glutamic acid, which is acidic and polar, at codon 1332 of the DMD protein (p.Asp1332Glu). This variant is not present in population databases (gnomAD no frequency). This variant has not been reported in the literature in individuals affected with DMD-related conditions. Invitae Evidence Modeling of protein sequence and biophysical properties (such as structural, functional, and spatial information, amino acid conservation, physicochemical variation, residue mobility, and thermodynamic stability) indicates that this missense variant is not expected to disrupt DMD protein function with a negative predictive value of 95%. In summary, the available evidence is currently insufficient to determine the role of this variant in disease. Therefore, it has been classified as a Variant of Uncertain Significance.